The following is an entry in ClinVar:

NM_000020.3(ACVRL1):c.68del (p.Pro23fs)

Gene: ACVRL1 (activin A receptor like type 1; plus strand). Cytogenetic location: 12q13.13.
Variant type: Deletion.
Coding change: c.68del on transcript NM_000020.3 (MANE Select); coding-DNA position 68, one base deleted (C; older notation c.68delC).
Protein change: p.Pro23fs; shifts the reading frame from proline 23.
Molecular consequence: frameshift variant.
Genome position (GRCh38, 1-based): chr12:51,913,105, C deleted; the last of 3 consecutive C bases (chr12:51,913,103-51,913,105); deleting any one gives the same sequence. VCF-style (leftmost placement, unchanged base first): chr12-51913102-AC-A. GRCh37 (hg19) VCF-style: chr12-52306886-AC-A.
Other names: c.68del, p.Pro23fs (NM_001077401.2); c.68delC (NM_000020.3); short protein forms P23fs.
Identifiers: ClinVar variation 1330267 (VCV001330267.7), dbSNP rs2139064139, ClinGen allele CA2573053702.
Genomic context (GRCh38, chr12:51,913,102, plus strand): 5'-GGGCTCAGCCTGGGGGAGCTGGGACCACAGTGGCTGAGCTTCCGGTGTGTCTTCCAGGAG[AC>A]CCTGTGAAGCCGTCTCGGGGCCCGCTGGTGACCTGCACGTGTGAGAGCCCACATTGCAAG-3'

ClinVar aggregate classification (germline): Pathogenic. Review status: criteria provided, multiple submitters, no conflicts (2 of 4 stars). 2 submissions from 2 submitters: Pathogenic (2). Last evaluated 2021-12-10.

Conditions:
Telangiectasia, hereditary hemorrhagic, type 2 (HHT2). Also called: Telangiectasia, hereditary hemorrhagic, type II; ACVRL1-Related Hereditary Hemorrhagic Telangiectasia. Identifiers: Orphanet 774, MedGen C1838163, MONDO:0010880, OMIM 600376. Disease mechanism: loss of function.

Submissions (2):

Labcorp Genetics (formerly Invitae), Labcorp
Classification: Pathogenic for Telangiectasia, hereditary hemorrhagic, type 2. Last evaluated: 2021-12-10. Review status: criteria provided, single submitter. Criteria: Invitae Variant Classification Sherloc (09022015). Collection method: clinical testing. Allele origin: germline.
Comment: This sequence change creates a premature translational stop signal (p.Pro23Leufs*2) in the ACVRL1 gene. It is expected to result in an absent or disrupted protein product. Loss-of-function variants in ACVRL1 are known to be pathogenic (PMID: 15879500). This variant is not present in population databases (gnomAD no frequency). This premature translational stop signal has been observed in individual(s) with hereditary hemorrhagic telangiectasia (PMID: 32503579). For these reasons, this variant has been classified as Pathogenic.

MVZ Martinsried, Medicover Genetics
Classification: Pathogenic for Telangiectasia, hereditary hemorrhagic, type 2. Last evaluated: 2021-07-02. Review status: criteria provided, single submitter. Criteria: ACGS Guidelines, 2020. Collection method: clinical testing. Allele origin: unknown. Affected: yes.

Literature cited by the submitters: PubMed 15879500 (cited by Labcorp Genetics (formerly Invitae), Labcorp); PubMed 32503579 (cited by Labcorp Genetics (formerly Invitae), Labcorp).